The following is an entry in ClinVar:

ClinVar aggregate classification (germline): Uncertain significance (1 of 4 stars; one submission).

Submission:

Ambry Genetics
Classification: Uncertain significance. Last evaluated: 2021-12-16. Review status: criteria provided, single submitter. Criteria: Ambry Variant Classification Scheme 2023. Collection method: clinical testing. Allele origin: germline.
Comment: The p.F288Y variant (also known as c.863T>A), located in coding exon 9 of the NEBL gene, results from a T to A substitution at nucleotide position 863. The phenylalanine at codon 288 is replaced by tyrosine, an amino acid with highly similar properties. This amino acid position is conserved. In addition, this alteration is predicted to be tolerated by in silico analysis. Since supporting evidence is limited at this time, the clinical significance of this alteration remains unclear.

NM_006393.3(NEBL):c.863T>A (p.Phe288Tyr)

Gene: NEBL (nebulette; minus strand). Cytogenetic location: 10p12.31.
Variant type: single nucleotide variant.
Coding change: c.863T>A on transcript NM_006393.3 (MANE Select); coding-DNA position 863, T replaced by A.
Protein change: p.Phe288Tyr; replaces phenylalanine 288 with tyrosine.
Molecular consequence: missense variant. On other transcripts: intron variant (9).
Genome position (GRCh38, 1-based): chr10:20,858,280, A>T on the plus strand (T>A on the coding strand, the complement: NEBL is on the minus strand). VCF-style: chr10-20858280-A-T. GRCh37 (hg19) VCF-style: chr10-21147209-A-T.
Other names: c.250-45340T>A (NM_001377326.1, NM_001377327.1, NM_001377328.1); c.358-45340T>A (NM_213569.2, NM_001173484.2, NM_001377322.1); c.301-45340T>A (NM_001377324.1); c.292-45340T>A (NM_001377325.1); c.310-45340T>A (NM_001377323.1); short protein forms F288Y.
Identifiers: ClinVar variation 1764134 (VCV001764134.2), dbSNP rs2492052293, ClinGen allele CA376101648.
Genomic context (GRCh38, chr10:20,858,280, plus strand): 5'-CCGCTAGATGAACCACTTACGCCGCTGAGCATTTTGCTGGCTTTCAAAACATGGTCTAAA[A>T]ACAACAAATTTGGGAGATCTGAAACTGGATCATGCATATTTTGAATGTCTTTCTTGTACT-3'
Protein context (NP_006384.1, residues 278-298): DPVSDLPNLL[Phe288Tyr]LDHVLKASKM